The following is an entry in ClinVar:

ClinVar aggregate classification (germline): Uncertain significance (0 of 4 stars; one submission).

Conditions:
Cerebral palsy, spastic quadriplegic, 2 (CPSQ2). Identifiers: Orphanet 210141, MedGen C2752061, MONDO:0013033, OMIM 612900.

Allele frequency attached by ClinVar (database versions not stated): gnomAD exomes below 0.00001; gnomAD 0.00001; TOPMed 0.00001.
gnomAD v4.1: 6 of 1,614,030 alleles (0.00037%); highest among the groups gnomAD compares: Non-Finnish European, 0.00051%; no homozygotes.

Submission:

Department of Pathology and Laboratory Medicine, Sinai Health System
Classification: Uncertain significance for Cerebral palsy, spastic quadriplegic, 2. Review status: no assertion criteria provided. Collection method: clinical testing. Allele origin: unknown. Affected: yes. Study: The Canadian Open Genetics Repository (COGR).
Comment: The KANK1 p.S476C variant was not identified in the literature nor was it identified in ClinVar. The variant was identified in dbSNP (ID: rs1305877076) but was not identified in the following control databases: the 1000 Genomes Project, the NHLBI GO Exome Sequencing Project, or the Genome Aggregation Database (March 6, 2019, v2.1.1). The p.S172 residue is not highly conserved in mammals and computational analyses (MUT Assesor, SIFT, MutationTaster, Revel, FATHMM, MetaLR, DANN) provide inconsistent predictions regarding the impact to the protein; this information is not very predictive of pathogenicity. The variant occurs outside of the splicing consensus sequence and in silico or computational prediction software programs (Splice AI exome) do not predict a difference in splicing. In summary, based on the above information the clinical significance of this variant cannot be determined with certainty at this time. This variant is classified as a variant of uncertain significance.

NM_015158.5(KANK1):c.1901C>G (p.Ser634Cys)

Gene: KANK1 (KN motif and ankyrin repeat domains 1; plus strand). Cytogenetic location: 9p24.3.
Variant type: single nucleotide variant.
Coding change: c.1901C>G on transcript NM_015158.5 (MANE Select); coding-DNA position 1901, C replaced by G.
Protein change: p.Ser634Cys; replaces serine 634 with cysteine.
Molecular consequence: missense variant. On other transcripts: non-coding transcript variant (1).
Genome position (GRCh38, 1-based): chr9:712,667, C>G. VCF-style: chr9-712667-C-G. GRCh37 (hg19) VCF-style: chr9-712667-C-G.
Other names: c.1901C>G, p.Ser634Cys (NM_001256876.3, NM_001256877.3, NM_001354331.2 and 2 more transcripts); c.1427C>G, p.Ser476Cys (NM_001354333.2, NM_001354335.2, NM_001354336.2 and 9 more transcripts); short protein forms S476C, S634C.
Identifiers: ClinVar variation 1048860 (VCV001048860.1), dbSNP rs1305877076, ClinGen allele CA372749188.